The following is an entry in ClinVar:

ClinVar aggregate classification (germline): Uncertain significance (1 of 4 stars; one submission).

Conditions:
LAMA2-related muscular dystrophy (LAMA2-RD). Also called: Laminin alpha 2-related dystrophy. Identifiers: MedGen C5679788, MONDO:0100228.

gnomAD v4.1: 2 of 1,613,566 alleles (0.00012%); highest among the groups gnomAD compares: Admixed American, 0.0033%; no homozygotes.

Submission:

Labcorp Genetics (formerly Invitae), Labcorp
Classification: Uncertain significance for LAMA2-related muscular dystrophy. Last evaluated: 2022-08-07. Review status: criteria provided, single submitter. Criteria: Invitae Variant Classification Sherloc (09022015). Collection method: clinical testing. Allele origin: germline.
Comment: This sequence change replaces methionine, which is neutral and non-polar, with lysine, which is basic and polar, at codon 2278 of the LAMA2 protein (p.Met2278Lys). This variant is present in population databases (no rsID available, gnomAD 0.003%). This variant has not been reported in the literature in individuals affected with LAMA2-related conditions. ClinVar contains an entry for this variant (Variation ID: 1488625). Advanced modeling of protein sequence and biophysical properties (such as structural, functional, and spatial information, amino acid conservation, physicochemical variation, residue mobility, and thermodynamic stability) performed at Invitae indicates that this missense variant is not expected to disrupt LAMA2 protein function. In summary, the available evidence is currently insufficient to determine the role of this variant in disease. Therefore, it has been classified as a Variant of Uncertain Significance.

NM_000426.4(LAMA2):c.6833T>A (p.Met2278Lys)

Gene: LAMA2 (laminin subunit alpha 2; plus strand). Cytogenetic location: 6q22.33.
Variant type: single nucleotide variant.
Coding change: c.6833T>A on transcript NM_000426.4 (MANE Select); coding-DNA position 6833, T replaced by A.
Protein change: p.Met2278Lys; replaces methionine 2278 with lysine.
Molecular consequence: missense variant.
Genome position (GRCh38, 1-based): chr6:129,456,460, T>A. VCF-style: chr6-129456460-T-A. GRCh37 (hg19) VCF-style: chr6-129777605-T-A.
Other names: c.6833T>A, p.Met2278Lys (NM_001079823.2); short protein forms M2278K.
Identifiers: ClinVar variation 1488625 (VCV001488625.5), dbSNP rs1336350002, ClinGen allele CA365618343.